The following is an entry in ClinVar:

ClinVar aggregate classification (germline): Uncertain significance (1 of 4 stars; one submission).

Conditions:
Primary ciliary dyskinesia. Also called: Ciliary dyskinesia. Identifiers: Orphanet 244, MedGen C0008780, MONDO:0016575, HP:0012265.

Submission:

Labcorp Genetics (formerly Invitae), Labcorp
Classification: Uncertain significance for Primary ciliary dyskinesia. Last evaluated: 2025-12-22. Review status: criteria provided, single submitter. Criteria: Invitae Variant Classification Sherloc (09022015). Collection method: clinical testing. Allele origin: germline.
Comment: This sequence change replaces serine, which is neutral and polar, with phenylalanine, which is neutral and non-polar, at codon 2881 of the DNAH8 protein (p.Ser2881Phe). Information on the frequency of this variant in the gnomAD database is not available, as this variant may be reported differently in the database. This variant has not been reported in the literature in individuals affected with DNAH8-related conditions. Experimental studies and prediction algorithms are not available or were not evaluated, and the functional significance of this variant is currently unknown. In summary, the available evidence is currently insufficient to determine the role of this variant in disease. Therefore, it has been classified as a Variant of Uncertain Significance.

NM_001206927.2(DNAH8):c.8642_8643delinsTT (p.Ser2881Phe)

Gene: DNAH8 (dynein axonemal heavy chain 8; plus strand). Cytogenetic location: 6p21.2.
Variant type: Indel.
Coding change: c.8642_8643delinsTT on transcript NM_001206927.2 (MANE Select); coding-DNA positions 8642 to 8643, CC replaced by TT.
Protein change: p.Ser2881Phe; replaces serine 2881 with phenylalanine.
Molecular consequence: missense variant.
Genome position (GRCh38, 1-based): chr6:38,894,759-38,894,760, CC replaced by TT. VCF-style: chr6-38894759-CC-TT. GRCh37 (hg19) VCF-style: chr6-38862535-CC-TT.
Other names: c.7991_7992delinsTT, p.Ser2664Phe (NM_001371.4); short protein forms S2881F, S2664F.
Identifiers: ClinVar variation 4774272 (VCV004774272.1).